The following is an entry in ClinVar:

ClinVar aggregate classification (germline): Uncertain significance (1 of 4 stars; one submission).

Submission:

GeneDx
Classification: Uncertain significance. Last evaluated: 2022-05-23. Review status: criteria provided, single submitter. Criteria: GeneDx Variant Classification Process June 2021. Collection method: clinical testing. Allele origin: germline. Affected: yes.
Comment: Not observed at significant frequency in large population cohorts (gnomAD); In silico analysis supports that this missense variant does not alter protein structure/function; Has not been previously published as pathogenic or benign to our knowledge

NM_004700.4(KCNQ4):c.231C>A (p.His77Gln)

Gene: KCNQ4 (potassium voltage-gated channel subfamily Q member 4; plus strand). Cytogenetic location: 1p34.2.
Variant type: single nucleotide variant.
Coding change: c.231C>A on transcript NM_004700.4 (MANE Select); coding-DNA position 231, C replaced by A.
Protein change: p.His77Gln; replaces histidine 77 with glutamine.
Molecular consequence: missense variant.
Genome position (GRCh38, 1-based): chr1:40,784,324, C>A. VCF-style: chr1-40784324-C-A. GRCh37 (hg19) VCF-style: chr1-41249996-C-A.
Other names: c.231C>A, p.His77Gln (NM_172163.3); short protein forms H77Q.
Identifiers: ClinVar variation 1800917 (VCV001800917.1), dbSNP rs2523791373, ClinGen allele CA339885312.